The following is an entry in ClinVar:

ClinVar aggregate classification (germline): Likely benign. Review status: criteria provided, multiple submitters, no conflicts (2 of 4 stars). 2 submissions from 2 submitters: Likely benign (2). Last evaluated 2025-02-10.

Conditions:
Colorectal cancer, susceptibility to, 12 (CRCS12). Also called: COLORECTAL CANCER, SUSCEPTIBILITY TO, ON CHROMOSOME 12q24. Identifiers: Orphanet 220460, MedGen C3554460, MONDO:0014038, OMIM 615083.

Submissions (2):

Myriad Genetics, Inc.
Classification: Likely benign for Colorectal cancer, susceptibility to, 12. Last evaluated: 2025-02-10. Review status: criteria provided, single submitter. Criteria: Myriad Autosomal Dominant, Autosomal Recessive and X-Linked Classification Criteria (2023). Collection method: clinical testing. Allele origin: unknown.
Comment: This variant is considered likely benign. This variant is intronic and is not expected to impact mRNA splicing.

Labcorp Genetics (formerly Invitae), Labcorp
Classification: Likely benign. Last evaluated: 2024-09-21. Review status: criteria provided, single submitter. Criteria: Invitae Variant Classification Sherloc (09022015). Collection method: clinical testing. Allele origin: germline.

NM_006231.4(POLE):c.1107-4C>T

Gene: POLE (DNA polymerase epsilon, catalytic subunit; minus strand). Cytogenetic location: 12q24.33.
Variant type: single nucleotide variant.
Coding change: c.1107-4C>T on transcript NM_006231.4 (MANE Select); 4 bases into the intron before coding-DNA position 1107, C replaced by T.
Molecular consequence: intron variant.
Genome position (GRCh38, 1-based): chr12:132,675,521, G>A on the plus strand (C>T on the coding strand, the complement: POLE is on the minus strand). VCF-style: chr12-132675521-G-A. GRCh37 (hg19) VCF-style: chr12-133252107-G-A.
Identifiers: ClinVar variation 1120470 (VCV001120470.10), dbSNP rs2136009617, ClinGen allele CA2499221549.